The following is an entry in ClinVar:

NM_022773.4(LMF1):c.1188C>A (p.His396Gln)

Gene: LMF1 (lipase maturation factor 1; minus strand). Cytogenetic location: 16p13.3.
Variant type: single nucleotide variant.
Coding change: c.1188C>A on transcript NM_022773.4 (MANE Select); coding-DNA position 1188, C replaced by A.
Protein change: p.His396Gln; replaces histidine 396 with glutamine.
Molecular consequence: missense variant. On other transcripts: non-coding transcript variant (1).
Genome position (GRCh38, 1-based): chr16:870,773, G>T on the plus strand (C>A on the coding strand, the complement: LMF1 is on the minus strand). VCF-style: chr16-870773-G-T. GRCh37 (hg19) VCF-style: chr16-920773-G-T.
Other names: c.537C>A, p.His179Gln (NM_001352017.2, NM_001352021.2); c.789C>A, p.His263Gln (NM_001352018.2); c.861C>A, p.His287Gln (NM_001352019.2); c.1188C>A, p.His396Gln (NM_001352020.1); short protein forms H179Q, H263Q, H287Q, H396Q.
Identifiers: ClinVar variation 3227799 (VCV003227799.1), dbSNP rs778438058, ClinGen allele CA394126113.

ClinVar aggregate classification (germline): Uncertain significance (1 of 4 stars; one submission).

Conditions:
Cardiovascular phenotype. Identifiers: MedGen CN230736.

gnomAD v4.1: 2 of 1,613,080 alleles (0.00012%); highest among the groups gnomAD compares: South Asian, 0.0022%; no homozygotes.

Submission:

Ambry Genetics
Classification: Uncertain significance for Cardiovascular phenotype. Last evaluated: 2024-01-11. Review status: criteria provided, single submitter. Criteria: Ambry Variant Classification Scheme 2023. Collection method: clinical testing. Allele origin: germline.
Comment: The p.H396Q variant (also known as c.1188C>A), located in coding exon 8 of the LMF1 gene, results from a C to A substitution at nucleotide position 1188. The histidine at codon 396 is replaced by glutamine, an amino acid with highly similar properties. This amino acid position is conserved. In addition, this alteration is predicted to be tolerated by in silico analysis. Since supporting evidence is limited at this time, the clinical significance of this alteration remains unclear.